The following is an entry in ClinVar:

ClinVar aggregate classification (germline): Uncertain significance (1 of 4 stars; one submission).

Conditions:
Developmental and epileptic encephalopathy, 34 (DEE34). Also called: Early infantile epileptic encephalopathy 34; SLC12A5-Related Epilepsy of Infancy with Migrating Focal Seizures. Identifiers: Orphanet 293181, MedGen C4225257, MONDO:0014718, OMIM 616645.

Submission:

Labcorp Genetics (formerly Invitae), Labcorp
Classification: Uncertain significance for Developmental and epileptic encephalopathy, 34. Last evaluated: 2022-11-22. Review status: criteria provided, single submitter. Criteria: Invitae Variant Classification Sherloc (09022015). Collection method: clinical testing. Allele origin: germline.
Comment: In summary, the available evidence is currently insufficient to determine the role of this variant in disease. Therefore, it has been classified as a Variant of Uncertain Significance. This sequence change replaces serine, which is neutral and polar, with glycine, which is neutral and non-polar, at codon 985 of the SLC12A5 protein (p.Ser985Gly). This variant is not present in population databases (gnomAD no frequency). This variant has not been reported in the literature in individuals affected with SLC12A5-related conditions. ClinVar contains an entry for this variant (Variation ID: 1395193). Advanced modeling of protein sequence and biophysical properties (such as structural, functional, and spatial information, amino acid conservation, physicochemical variation, residue mobility, and thermodynamic stability) performed at Invitae indicates that this missense variant is not expected to disrupt SLC12A5 protein function.

NM_020708.5(SLC12A5):c.2953A>G (p.Ser985Gly)

Gene: SLC12A5 (solute carrier family 12 member 5; plus strand). Cytogenetic location: 20q13.12.
Variant type: single nucleotide variant.
Coding change: c.2953A>G on transcript NM_020708.5 (MANE Select); coding-DNA position 2953, A replaced by G.
Protein change: p.Ser985Gly; replaces serine 985 with glycine.
Molecular consequence: missense variant.
Genome position (GRCh38, 1-based): chr20:46,056,407, A>G. VCF-style: chr20-46056407-A-G. GRCh37 (hg19) VCF-style: chr20-44685046-A-G.
Other names: c.3022A>G, p.Ser1008Gly (NM_001134771.2); short protein forms S1008G, S985G.
Identifiers: ClinVar variation 1395193 (VCV001395193.8), dbSNP rs2145507962, ClinGen allele CA409207670.